The following is an entry in ClinVar:

ClinVar aggregate classification (germline): Uncertain significance (1 of 4 stars; one submission).

Conditions:
Hereditary cancer-predisposing syndrome. Also called: Neoplastic Syndromes, Hereditary; Tumor predisposition; Hereditary Cancer Syndrome; Hereditary neoplastic syndrome. Identifiers: Orphanet 140162, MedGen C0027672, MeSH D009386, MONDO:0015356.

gnomAD v4.1: 1 of 1,601,210 alleles (0.000062%); no homozygotes.

Submission:

Color Diagnostics, LLC DBA Color Health
Classification: Uncertain significance for Hereditary cancer-predisposing syndrome. Last evaluated: 2023-12-05. Review status: criteria provided, single submitter. Criteria: ACMG Guidelines, 2015. Collection method: clinical testing. Allele origin: germline.
Comment: This missense variant replaces serine with threonine at codon 248 of the PMS2 protein. Computational prediction suggests that this variant may not impact protein structure and function (internally defined REVEL score threshold <= 0.5, PMID: 27666373). To our knowledge, functional studies have not been reported for this variant. This variant has not been reported in individuals affected with PMS2-related disorders in the literature. This variant has not been identified in the general population by the Genome Aggregation Database (gnomAD). The available evidence is insufficient to determine the role of this variant in disease conclusively. Therefore, this variant is classified as a Variant of Uncertain Significance.

NM_000535.7(PMS2):c.743G>C (p.Ser248Thr)

Gene: PMS2 (PMS1 homolog 2, mismatch repair system component; minus strand). Cytogenetic location: 7p22.1.
Variant type: single nucleotide variant.
Coding change: c.743G>C on transcript NM_000535.7 (MANE Select); coding-DNA position 743, G replaced by C.
Protein change: p.Ser248Thr; replaces serine 248 with threonine.
Molecular consequence: missense variant. On other transcripts: 5 prime UTR variant (2), non-coding transcript variant (1).
Genome position (GRCh38, 1-based): chr7:5,997,386, C>G on the plus strand (G>C on the coding strand, the complement: PMS2 is on the minus strand). VCF-style: chr7-5997386-C-G. GRCh37 (hg19) VCF-style: chr7-6037017-C-G.
Other names: c.338G>C, p.Ser113Thr (NM_001322003.2, NM_001322004.2, NM_001322005.2 and 2 more transcripts); c.743G>C, p.Ser248Thr (NM_001322006.2, NM_001322014.2); c.425G>C, p.Ser142Thr (NM_001322007.2, NM_001322008.2); c.-191G>C (NM_001322011.2, NM_001322012.2); c.170G>C, p.Ser57Thr (NM_001322013.2); c.434G>C, p.Ser145Thr (NM_001322015.2); short protein forms S142T, S248T, S57T, S113T, S145T.
Identifiers: ClinVar variation 921651 (VCV000921651.4), dbSNP rs1784535776, ClinGen allele CA366743726.